The following is an entry in ClinVar:

ClinVar aggregate classification (germline): Uncertain significance (1 of 4 stars; one submission).

Conditions:
Hereditary cancer-predisposing syndrome. Also called: Hereditary Cancer Syndrome; Hereditary neoplastic syndrome; Neoplastic Syndromes, Hereditary; Tumor predisposition. Identifiers: Orphanet 140162, MedGen C0027672, MeSH D009386, MONDO:0015356.

Allele frequency attached by ClinVar (database versions not stated): gnomAD exomes below 0.00001; 1000 Genomes Project 30x 0.00016; gnomAD 0.00001; 1000 Genomes Project 0.00020.

Submission:

Ambry Genetics
Classification: Uncertain significance for Hereditary cancer-predisposing syndrome. Last evaluated: 2026-09-03. Review status: criteria provided, single submitter. Criteria: Ambry Variant Classification Scheme 2023. Collection method: clinical testing. Allele origin: germline.
Comment: The p.M152I variant (also known as c.456G>A), located in coding exon 3 of the PTCH1 gene, results from a G to A substitution at nucleotide position 456. The methionine at codon 152 is replaced by isoleucine, an amino acid with highly similar properties. This amino acid position is well conserved in available vertebrate species. In addition, this alteration is predicted to be deleterious by in silico analysis. Based on the available evidence, the clinical significance of this variant remains unclear.

NM_000264.5(PTCH1):c.456G>A (p.Met152Ile)

Gene: PTCH1 (patched 1; minus strand). Cytogenetic location: 9q22.32.
Variant type: single nucleotide variant.
Coding change: c.456G>A on transcript NM_000264.5 (MANE Select); coding-DNA position 456, G replaced by A.
Protein change: p.Met152Ile; replaces methionine 152 with isoleucine.
Molecular consequence: missense variant. On other transcripts: initiator codon variant (4), non-coding transcript variant (1).
Genome position (GRCh38, 1-based): chr9:95,485,813, C>T on the plus strand (G>A on the coding strand, the complement: PTCH1 is on the minus strand). VCF-style: chr9-95485813-C-T. GRCh37 (hg19) VCF-style: chr9-98248095-C-T.
Other names: c.258G>A, p.Met86Ile (NM_001083602.3, NM_001354919.2); c.453G>A, p.Met151Ile (NM_001083603.3); c.3G>A, p.Met1Ile (NM_001083604.3, NM_001083605.3, NM_001083606.3 and 1 more transcripts); c.456G>A, p.Met152Ile (NM_001354918.2); short protein forms M151I, M86I, M1I, M152I.
Identifiers: ClinVar variation 1741552 (VCV001741552.4), dbSNP rs199757908, ClinGen allele CA196537017.